The following is an entry in ClinVar:

NM_000512.5(GALNS):c.151G>A (p.Glu51Lys)

Gene: GALNS (galactosamine (N-acetyl)-6-sulfatase; minus strand). Cytogenetic location: 16q24.3.
Variant type: single nucleotide variant.
Coding change: c.151G>A on transcript NM_000512.5 (MANE Select); coding-DNA position 151, G replaced by A.
Protein change: p.Glu51Lys; replaces glutamic acid 51 with lysine.
Molecular consequence: missense variant. On other transcripts: intron variant (1).
Genome position (GRCh38, 1-based): chr16:88,842,799, C>T on the plus strand (G>A on the coding strand, the complement: GALNS is on the minus strand). VCF-style: chr16-88842799-C-T. GRCh37 (hg19) VCF-style: chr16-88909207-C-T.
Other names: c.169G>A, p.Glu57Lys (NM_001323544.2); c.-311-828G>A (NM_001323543.2); short protein forms E51K, E57K.
Identifiers: ClinVar variation 1048263 (VCV001048263.3), dbSNP rs1296755011, ClinGen allele CA397091971.

ClinVar aggregate classification (germline): Likely pathogenic (1 of 4 stars; one submission).

Conditions:
Mucopolysaccharidosis, MPS-IV-A (MPS4A). Also called: Mucopolysaccharidosis type IV A; Mucopolysaccharidosis Type IVA; Morquio syndrome A, mild; MORQUIO SYNDROME A; MPS IVA; mucopolysaccharidosis type 4A. Identifiers: Orphanet 309297, Orphanet 582, MedGen C0086651, MONDO:0009659, OMIM 253000.

Allele frequency attached by ClinVar (database versions not stated): gnomAD exomes below 0.00001.

Submission:

Laboratory of Diagnosis and Therapy of Lysosomal Disorders, University of Padova
Classification: Likely pathogenic for Mucopolysaccharidosis, MPS-IV-A. Last evaluated: 2021-02-01. Review status: criteria provided, single submitter. Criteria: ACMG Guidelines, 2015. Collection method: curation. Allele origin: germline. Affected: yes.
Comment: In vivo functional studies supportive of a damaging effect on the gene product (low to null enzymatic activity in homozygotes; PS3_supporting); the prevalence of the variant in affected individuals is significantly increased compared with the prevalence in controls (PS4_moderate); absent from gnomAD v2.1.1 (PM2_moderate); multiple lines of computational evidence support a deleterious effect on the gene (PP3_supporting)

Literature cited by the submitters: PubMed 24726177; PubMed 34387910.